The following is an entry in ClinVar:

NM_001113378.2(FANCI):c.3551G>A (p.Cys1184Tyr)

Gene: FANCI (FA complementation group I; plus strand). Cytogenetic location: 15q26.1.
Variant type: single nucleotide variant.
Coding change: c.3551G>A on transcript NM_001113378.2 (MANE Select); coding-DNA position 3551, G replaced by A.
Protein change: p.Cys1184Tyr; replaces cysteine 1184 with tyrosine.
Molecular consequence: missense variant.
Genome position (GRCh38, 1-based): chr15:89,307,489, G>A. VCF-style: chr15-89307489-G-A. GRCh37 (hg19) VCF-style: chr15-89850720-G-A.
Other names: c.3272G>A, p.Cys1091Tyr (NM_001376910.1); c.3551G>A, p.Cys1184Tyr (NM_001376911.1); c.3371G>A, p.Cys1124Tyr (NM_018193.3); short protein forms C1184Y, C1124Y, C1091Y.
Identifiers: ClinVar variation 3668730 (VCV003668730.2).

ClinVar aggregate classification (germline): Uncertain significance (1 of 4 stars; one submission).

Conditions:
Fanconi anemia (FA). Also called: Fanconi's anemia. Identifiers: Orphanet 84, MedGen C0015625, MeSH D005199, MONDO:0019391.

gnomAD v4.1: 1 of 1,614,154 alleles (0.000062%); highest among the groups gnomAD compares: East Asian, 0.0022%; no homozygotes.

Submission:

Labcorp Genetics (formerly Invitae), Labcorp
Classification: Uncertain significance for Fanconi anemia. Last evaluated: 2024-06-12. Review status: criteria provided, single submitter. Criteria: Invitae Variant Classification Sherloc (09022015). Collection method: clinical testing. Allele origin: germline.
Comment: This sequence change replaces cysteine, which is neutral and slightly polar, with tyrosine, which is neutral and polar, at codon 1184 of the FANCI protein (p.Cys1184Tyr). This variant is not present in population databases (gnomAD no frequency). This variant has not been reported in the literature in individuals affected with FANCI-related conditions. Algorithms developed to predict the effect of missense changes on protein structure and function output the following: SIFT: "Not Available"; PolyPhen-2: "Benign"; Align-GVGD: "Not Available". The tyrosine amino acid residue is found in multiple mammalian species, which suggests that this missense change does not adversely affect protein function. In summary, the available evidence is currently insufficient to determine the role of this variant in disease. Therefore, it has been classified as a Variant of Uncertain Significance.